The following is an entry in ClinVar:

NM_025137.4(SPG11):c.5553A>T (p.Thr1851=)

Gene: SPG11 (SPG11 vesicle trafficking associated, spatacsin; minus strand). Cytogenetic location: 15q21.1.
Variant type: single nucleotide variant.
Coding change: c.5553A>T on transcript NM_025137.4 (MANE Select); coding-DNA position 5553, A replaced by T.
Protein change: p.Thr1851=; no amino-acid change (threonine 1851 retained).
Molecular consequence: synonymous variant.
Genome position (GRCh38, 1-based): chr15:44,584,127, T>A on the plus strand (A>T on the coding strand, the complement: SPG11 is on the minus strand). VCF-style: chr15-44584127-T-A. GRCh37 (hg19) VCF-style: chr15-44876325-T-A.
Other names: c.5553A>T, p.Thr1851= (NM_001160227.2); c.5409A>T, p.Thr1803= (NM_001411132.1).
Identifiers: ClinVar variation 2645281 (VCV002645281.27), dbSNP rs971378679, ClinGen allele CA490329660.

ClinVar aggregate classification (germline): Likely benign. Review status: criteria provided, multiple submitters, no conflicts (2 of 4 stars). 2 submissions from 2 submitters: Likely benign (2). Last evaluated 2023-08-24.

Conditions:
Hereditary spastic paraplegia 11. Also called: SPASTIC PARAPLEGIA, AUTOSOMAL RECESSIVE, COMPLICATED, WITH THIN CORPUS CALLOSUM; SPASTIC PARAPLEGIA, AUTOSOMAL RECESSIVE, WITH MENTAL IMPAIRMENT AND THIN CORPUS CALLOSUM; Spastic Paraplegia 11; Nakamura Osame syndrome; Autosomal recessive hereditary spastic paraplegia, mental impairment, and thin corpus callosum; Spastic paraplegia, mental retardation and thin corpus callosum. Identifiers: Orphanet 2822, MedGen C1858479, MONDO:0011445, OMIM 604360.

Allele frequency attached by ClinVar (database versions not stated): TOPMed below 0.00001.

Submissions (2):

Labcorp Genetics (formerly Invitae), Labcorp
Classification: Likely benign for Hereditary spastic paraplegia 11. Last evaluated: 2023-08-24. Review status: criteria provided, single submitter. Criteria: Invitae Variant Classification Sherloc (09022015). Collection method: clinical testing. Allele origin: germline.

CeGaT Center for Human Genetics Tuebingen
Classification: Likely benign. Last evaluated: 2023-06-01. Review status: criteria provided, single submitter. Criteria: CeGaT Center For Human Genetics Tuebingen Variant Classification Criteria Version 2. Collection method: clinical testing. Allele origin: germline. Affected: yes. Observed: 1 variant allele.
Comment: SPG11: PM2:Supporting, BP4, BP7